The following is an entry in ClinVar:

ClinVar aggregate classification (germline): Uncertain significance (1 of 4 stars; one submission).

Conditions:
Familial episodic pain syndrome with predominantly lower limb involvement. Also called: Episodic pain syndrome, familial, 3. Identifiers: Orphanet 391384, Orphanet 391392, MedGen C3809899, MONDO:0014247, OMIM 615552.
Hereditary sensory and autonomic neuropathy type 7. Also called: Neuropathy, hereditary sensory and autonomic, type VII; HSAN VII. Identifiers: Orphanet 391397, MedGen C3809882, MONDO:0014244, OMIM 615548.

Submission:

Labcorp Genetics (formerly Invitae), Labcorp
Classification: Uncertain significance for Familial episodic pain syndrome with predominantly lower limb involvement; Hereditary sensory and autonomic neuropathy type 7. Last evaluated: 2025-08-15. Review status: criteria provided, single submitter. Criteria: Invitae Variant Classification Sherloc (09022015). Collection method: clinical testing. Allele origin: germline.
Comment: This sequence change replaces methionine, which is neutral and non-polar, with valine, which is neutral and non-polar, at codon 438 of the SCN11A protein (p.Met438Val). This variant is not present in population databases (gnomAD no frequency). This variant has not been reported in the literature in individuals affected with SCN11A-related conditions. An algorithm developed to predict the effect of missense changes on protein structure and function (PolyPhen-2) suggests that this variant is likely to be disruptive. In summary, the available evidence is currently insufficient to determine the role of this variant in disease. Therefore, it has been classified as a Variant of Uncertain Significance.

NM_001349253.2(SCN11A):c.1312A>G (p.Met438Val)

Gene: SCN11A (sodium voltage-gated channel alpha subunit 11; minus strand). Cytogenetic location: 3p22.2.
Variant type: single nucleotide variant.
Coding change: c.1312A>G on transcript NM_001349253.2 (MANE Select); coding-DNA position 1312, A replaced by G.
Protein change: p.Met438Val; replaces methionine 438 with valine.
Molecular consequence: missense variant.
Genome position (GRCh38, 1-based): chr3:38,908,110, T>C on the plus strand (A>G on the coding strand, the complement: SCN11A is on the minus strand). VCF-style: chr3-38908110-T-C. GRCh37 (hg19) VCF-style: chr3-38949601-T-C.
Other names: c.1312A>G, p.Met438Val (NM_014139.3); short protein forms M438V.
Identifiers: ClinVar variation 4785825 (VCV004785825.1).